The following is an entry in ClinVar:

NM_001025603.2(RFX5):c.1142T>C (p.Ile381Thr)

Gene: RFX5 (regulatory factor X5; minus strand). Cytogenetic location: 1q21.3.
Variant type: single nucleotide variant.
Coding change: c.1142T>C on transcript NM_001025603.2 (MANE Select); coding-DNA position 1142, T replaced by C.
Protein change: p.Ile381Thr; replaces isoleucine 381 with threonine.
Molecular consequence: missense variant.
Genome position (GRCh38, 1-based): chr1:151,342,895, A>G on the plus strand (T>C on the coding strand, the complement: RFX5 is on the minus strand). VCF-style: chr1-151342895-A-G. GRCh37 (hg19) VCF-style: chr1-151315371-A-G.
Other names: c.1142T>C, p.Ile381Thr (NM_001379412.1, NM_001379413.1, NM_001379414.1 and 5 more transcripts); c.1022T>C, p.Ile341Thr (NM_001379419.1, NM_001379420.1); short protein forms I341T, I381T.
Identifiers: ClinVar variation 1008670 (VCV001008670.4), dbSNP rs775881643, ClinGen allele CA1089658.

ClinVar aggregate classification (germline): Uncertain significance (1 of 4 stars; one submission).

Conditions:
MHC class II deficiency. Also called: Bare lymphocyte syndrome 2; BLS, TYPE II. Identifiers: Orphanet 572, MedGen C5447452, MONDO:0008855.

Allele frequency attached by ClinVar (database versions not stated): gnomAD exomes below 0.00001; ExAC 0.00001; gnomAD 0.00001.

Submission:

Labcorp Genetics (formerly Invitae), Labcorp
Classification: Uncertain significance for MHC class II deficiency. Last evaluated: 2021-11-29. Review status: criteria provided, single submitter. Criteria: Invitae Variant Classification Sherloc (09022015). Collection method: clinical testing. Allele origin: germline.
Comment: This sequence change replaces isoleucine, which is neutral and non-polar, with threonine, which is neutral and polar, at codon 381 of the RFX5 protein (p.Ile381Thr). This variant is present in population databases (rs775881643, gnomAD 0.0009%). This variant has not been reported in the literature in individuals affected with RFX5-related conditions. ClinVar contains an entry for this variant (Variation ID: 1008670). Algorithms developed to predict the effect of missense changes on protein structure and function are either unavailable or do not agree on the potential impact of this missense change (SIFT: "Deleterious"; PolyPhen-2: "Possibly Damaging"; Align-GVGD: "Class C0"). In summary, the available evidence is currently insufficient to determine the role of this variant in disease. Therefore, it has been classified as a Variant of Uncertain Significance.